The following is an entry in ClinVar:

NM_004415.4(DSP):c.7369C>T (p.Gln2457Ter)

Gene: DSP (desmoplakin; plus strand). Cytogenetic location: 6p24.3.
Variant type: single nucleotide variant.
Coding change: c.7369C>T on transcript NM_004415.4 (MANE Select); coding-DNA position 7369, C replaced by T.
Protein change: p.Gln2457Ter; replaces glutamine 2457 with a stop codon.
Molecular consequence: nonsense.
Genome position (GRCh38, 1-based): chr6:7,584,631, C>T. VCF-style: chr6-7584631-C-T. GRCh37 (hg19) VCF-style: chr6-7584864-C-T.
Other names: c.5572C>T, p.Gln1858Ter (NM_001008844.3); c.6040C>T, p.Gln2014Ter (NM_001319034.2); short protein forms Q1858*, Q2014*, Q2457*.
Identifiers: ClinVar variation 3842689 (VCV003842689.1).

ClinVar aggregate classification (germline): Pathogenic (1 of 4 stars; one submission).

Conditions:
Cardiovascular phenotype. Identifiers: MedGen CN230736.

gnomAD v4.1: 2 of 1,614,112 alleles (0.00012%); highest among the groups gnomAD compares: Non-Finnish European, 0.00017%; no homozygotes.

Submission:

Ambry Genetics
Classification: Pathogenic for Cardiovascular phenotype. Last evaluated: 2025-01-03. Review status: criteria provided, single submitter. Criteria: Ambry Variant Classification Scheme 2023. Collection method: clinical testing. Allele origin: germline.
Comment: The p.Q2457* pathogenic mutation (also known as c.7369C>T), located in coding exon 24 of the DSP gene, results from a C to T substitution at nucleotide position 7369. This changes the amino acid from a glutamine to a stop codon within coding exon 24. This alteration occurs at the 3' terminus of theDSP gene, is not expected to trigger nonsense-mediated mRNA decay, and impacts the last 14% of the protein. However, premature stop codons are typically deleterious in nature and the impacted region is critical for protein function (Ambry internal data). Alterations in DSP that result in haploinsufficiency or protein truncation have been reported in patients with arrhythmogenic right ventricular cardiomyopathy (ARVC) and dilated cardiomyopathy (DCM) (Fressart V et al. Europace. 2010;12(6):861-8; Elliott P et al. Circ Cardiovasc Genet. 2010;3(4):314-22; Quarta G et al. Circulation. 2011;123(23):2701-9; Garcia-Pavia P et al. Heart. 2011;97(21):1744-52; Rasmussen TB et al. Clin Genet. 2013;84(1):20-30; Pugh TJ et al. Genet Med. 2014;16(8):601-8). This variant is considered to be rare based on population cohorts in the Genome Aggregation Database (gnomAD). Based on the supporting evidence, this variant is interpreted as a disease-causing mutation.